The following is an entry in ClinVar:

NM_000489.6(ATRX):c.2696C>A (p.Thr899Lys)

Gene: ATRX (ATRX chromatin remodeler; minus strand). Cytogenetic location: Xq21.1.
Variant type: single nucleotide variant.
Coding change: c.2696C>A on transcript NM_000489.6 (MANE Select); coding-DNA position 2696, C replaced by A.
Protein change: p.Thr899Lys; replaces threonine 899 with lysine.
Molecular consequence: missense variant.
Genome position (GRCh38, 1-based): chrX:77,682,560, G>T on the plus strand (C>A on the coding strand, the complement: ATRX is on the minus strand). VCF-style: chrX-77682560-G-T. GRCh37 (hg19) VCF-style: chrX-76938052-G-T.
Other names: c.2582C>A, p.Thr861Lys (NM_138270.5); short protein forms T861K, T899K.
Identifiers: ClinVar variation 1024879 (VCV001024879.12), dbSNP rs782757975, ClinGen allele CA413710930.
Genomic context (GRCh38, chrX:77,682,560, plus strand): 5'-TCAGTGGAAGCACTTGCTTGCTGCTTCTTAGGAAGTCGATCTCTTAATTCCATGATGGTC[G>T]TGTCTTTATCAACTGTGCCTTCTGCTGAAGAGAAAGTCTCTCTCTCTTGTTTTCTTTCAG-3'
Protein context (NP_000480.3, residues 889-909): SSAEGTVDKD[Thr899Lys]TIMELRDRLP

ClinVar aggregate classification (germline): Uncertain significance (1 of 4 stars; one submission).

Conditions:
Alpha thalassemia-X-linked intellectual disability syndrome (ATRX). Also called: ALPHA-THALASSEMIA/MENTAL RETARDATION SYNDROME, X-LINKED; ATR, NONDELETION TYPE; ATR-X syndrome; Alpha thalassemia mental retardation syndrome, nondeletion type, X-linked; XLMR hypotonic face syndrome; X-linked alpha-thalassemia-mental retardation syndrome. Identifiers: Orphanet 847, MedGen C1845055, MONDO:0010519, OMIM 301040.

Submission:

Labcorp Genetics (formerly Invitae), Labcorp
Classification: Uncertain significance for Alpha thalassemia-X-linked intellectual disability syndrome. Last evaluated: 2022-08-09. Review status: criteria provided, single submitter. Criteria: Invitae Variant Classification Sherloc (09022015). Collection method: clinical testing. Allele origin: germline.
Comment: This sequence change replaces threonine, which is neutral and polar, with lysine, which is basic and polar, at codon 899 of the ATRX protein (p.Thr899Lys). This variant is not present in population databases (gnomAD no frequency). This variant has not been reported in the literature in individuals affected with ATRX-related conditions. ClinVar contains an entry for this variant (Variation ID: 1024879). Advanced modeling of protein sequence and biophysical properties (such as structural, functional, and spatial information, amino acid conservation, physicochemical variation, residue mobility, and thermodynamic stability) performed at Invitae indicates that this missense variant is not expected to disrupt ATRX protein function. In summary, the available evidence is currently insufficient to determine the role of this variant in disease. Therefore, it has been classified as a Variant of Uncertain Significance.